The following is an entry in ClinVar:

ClinVar aggregate classification (germline): Likely benign. Review status: criteria provided, multiple submitters, no conflicts (2 of 4 stars). 6 submissions from 6 submitters: Likely benign (3). 3 of the submissions do not count toward it. Last evaluated 2025-12-14.

Conditions:
Retinal dystrophy. Also called: Inherited retinal dystrophy. Identifiers: Orphanet 71862, MedGen C0854723, MeSH D058499, MONDO:0019118, HP:0000556.
IFT140-related disorder. Also called: IFT140-related condition.
Saldino-Mainzer syndrome (SRTD9). Also called: CONORENAL SYNDROME; SHORT-RIB THORACIC DYSPLASIA 9 WITHOUT POLYDACTYLY; Renal dysplasia, retinal pigmentary dystrophy, cerebellar ataxia and skeletal dysplasia; short-rib thoracic dysplasia 9 with or without polydactyly. Identifiers: Orphanet 140969, MedGen C1849437, MONDO:0009964, OMIM 266920.

Allele frequency attached by ClinVar (database versions not stated): gnomAD 0.00012 and 0.00013; TOPMed 0.00012; ExAC 0.00013; 1000 Genomes Project 30x 0.00016; 1000 Genomes Project 0.00020.
gnomAD v4.1: 225 of 1,583,752 alleles (0.014%); highest among the groups gnomAD compares: African/African-American, 0.024%; no homozygotes.

Submissions (6):

Labcorp Genetics (formerly Invitae), Labcorp
Classification: Likely benign for Saldino-Mainzer syndrome. Last evaluated: 2025-12-14. Review status: criteria provided, single submitter. Criteria: Invitae Variant Classification Sherloc (09022015). Collection method: clinical testing. Allele origin: germline.

Blueprint Genetics
Classification: Likely benign. Last evaluated: 2024-01-10. Review status: criteria provided, single submitter. Criteria: ACMG Guidelines, 2015. Collection method: clinical testing. Allele origin: germline.

Dept Of Ophthalmology, Nagoya University
Classification: Likely benign for Retinal dystrophy. Last evaluated: 2023-10-01. Review status: criteria provided, single submitter. Criteria: Submitter's publication. Collection method: research. Allele origin: germline. Affected: yes.

PreventionGenetics, part of Exact Sciences
Classification: Likely benign for IFT140-related condition. Last evaluated: 2019-05-01. Review status: no assertion criteria provided. Collection method: clinical testing. Allele origin: germline. Not counted in ClinVar's aggregate classification.
Comment: This variant is classified as likely benign based on ACMG/AMP sequence variant interpretation guidelines (Richards et al. 2015 PMID: 25741868, with internal and published modifications).

Clinical Genetics DNA and cytogenetics Diagnostics Lab, Erasmus MC, Erasmus Medical Center
Classification: Likely benign. Review status: no assertion criteria provided. Collection method: clinical testing. Allele origin: germline. Affected: yes. Study: VKGL Data-share Consensus. Not counted in ClinVar's aggregate classification.

Clinical Genetics, Academic Medical Center
Classification: Benign. Review status: no assertion criteria provided. Collection method: clinical testing. Allele origin: germline. Affected: yes. Study: VKGL Data-share Consensus. Not counted in ClinVar's aggregate classification.

NM_014714.4(IFT140):c.2583C>T (p.Asp861=)

Gene: IFT140 (intraflagellar transport 140; minus strand). Cytogenetic location: 16p13.3.
Variant type: single nucleotide variant.
Coding change: c.2583C>T on transcript NM_014714.4 (MANE Select); coding-DNA position 2583, C replaced by T.
Protein change: p.Asp861=; no amino-acid change (aspartic acid 861 retained).
Molecular consequence: synonymous variant.
Genome position (GRCh38, 1-based): chr16:1,526,072, G>A on the plus strand (C>T on the coding strand, the complement: IFT140 is on the minus strand). VCF-style: chr16-1526072-G-A. GRCh37 (hg19) VCF-style: chr16-1576073-G-A.
Identifiers: ClinVar variation 779561 (VCV000779561.18), dbSNP rs576060920, ClinGen allele CA7813563.